The following is an entry in ClinVar:

ClinVar aggregate classification (germline): Uncertain significance (1 of 4 stars; one submission).

gnomAD v4.1: 2 of 1,614,034 alleles (0.00012%); highest among the groups gnomAD compares: South Asian, 0.0011%; no homozygotes.

Submission:

GeneDx
Classification: Uncertain significance. Last evaluated: 2025-06-04. Review status: criteria provided, single submitter. Criteria: GeneDx Variant Classification Process June 2021. Collection method: clinical testing. Allele origin: germline. Affected: yes.
Comment: Not observed at significant frequency in large population cohorts (gnomAD); In silico analysis supports that this missense variant has a deleterious effect on protein structure/function; Has not been previously published as pathogenic or benign to our knowledge

NM_006129.5(BMP1):c.1814C>T (p.Pro605Leu)

Gene: BMP1 (bone morphogenetic protein 1; plus strand). Cytogenetic location: 8p21.3.
Variant type: single nucleotide variant.
Coding change: c.1814C>T on transcript NM_006129.5 (MANE Select); coding-DNA position 1814, C replaced by T.
Protein change: p.Pro605Leu; replaces proline 605 with leucine.
Molecular consequence: missense variant. On other transcripts: non-coding transcript variant (2).
Genome position (GRCh38, 1-based): chr8:22,196,728, C>T. VCF-style: chr8-22196728-C-T. GRCh37 (hg19) VCF-style: chr8-22054241-C-T.
Other names: c.1814C>T, p.Pro605Leu (NM_001199.4); short protein forms P605L.
Identifiers: ClinVar variation 4536451 (VCV004536451.1).